The following is an entry in ClinVar:

ClinVar aggregate classification (germline): Uncertain significance. Review status: criteria provided, multiple submitters, no conflicts (2 of 4 stars). 3 submissions from 3 submitters: Uncertain significance (3). Last evaluated 2025-09-03.

Conditions:
Inborn genetic diseases. Identifiers: MedGen C0950123, MeSH D030342.
KIDINS220-related disorder. Also called: KIDINS220-related condition.

Allele frequency attached by ClinVar (database versions not stated): ExAC 0.00001; gnomAD exomes 0.00001; TOPMed 0.00002; gnomAD 0.00003.
gnomAD v4.1: 19 of 1,614,052 alleles (0.0012%); highest among the groups gnomAD compares: Non-Finnish European, 0.0016%; no homozygotes.

Submissions (3):

Labcorp Genetics (formerly Invitae), Labcorp
Classification: Uncertain significance. Last evaluated: 2025-09-03. Review status: criteria provided, single submitter. Criteria: Invitae Variant Classification Sherloc (09022015). Collection method: clinical testing. Allele origin: germline.
Comment: This sequence change replaces methionine, which is neutral and non-polar, with threonine, which is neutral and polar, at codon 617 of the KIDINS220 protein (p.Met617Thr). This variant is present in population databases (rs753343422, gnomAD 0.003%). This variant has not been reported in the literature in individuals affected with KIDINS220-related conditions. ClinVar contains an entry for this variant (Variation ID: 2978337). An algorithm developed to predict the effect of missense changes on protein structure and function (PolyPhen-2) suggests that this variant is likely to be disruptive. In summary, the available evidence is currently insufficient to determine the role of this variant in disease. Therefore, it has been classified as a Variant of Uncertain Significance.

Ambry Genetics
Classification: Uncertain significance for Inborn genetic diseases. Last evaluated: 2025-08-24. Review status: criteria provided, single submitter. Criteria: Ambry Variant Classification Scheme 2023. Collection method: clinical testing. Allele origin: germline.

PreventionGenetics, part of Exact Sciences
Classification: Uncertain significance for KIDINS220-related condition. Last evaluated: 2024-12-03. Review status: criteria provided, single submitter. Criteria: ACMG Guidelines, 2015. Collection method: clinical testing. Allele origin: germline.
Comment: The KIDINS220 c.1850T>C variant is predicted to result in the amino acid substitution p.Met617Thr. To our knowledge, this variant has not been reported in the literature. This variant is reported in 0.0031% of alleles in individuals of European (Non-Finnish) descent in gnomAD. At this time, the clinical significance of this variant is uncertain due to the absence of conclusive functional and genetic evidence.

NM_020738.4(KIDINS220):c.1850T>C (p.Met617Thr)

Gene: KIDINS220 (kinase D interacting substrate 220; minus strand). Cytogenetic location: 2p25.1.
Variant type: single nucleotide variant.
Coding change: c.1850T>C on transcript NM_020738.4 (MANE Select); coding-DNA position 1850, T replaced by C.
Protein change: p.Met617Thr; replaces methionine 617 with threonine.
Molecular consequence: missense variant. On other transcripts: non-coding transcript variant (2).
Genome position (GRCh38, 1-based): chr2:8,786,295, A>G on the plus strand (T>C on the coding strand, the complement: KIDINS220 is on the minus strand). VCF-style: chr2-8786295-A-G. GRCh37 (hg19) VCF-style: chr2-8926425-A-G.
Other names: c.1853T>C, p.Met618Thr (NM_001348729.2, NM_001348731.2, NM_001348734.2 and 3 more transcripts); c.1850T>C, p.Met617Thr (NM_001348732.2, NM_001348735.2, NM_001348738.2 and 3 more transcripts); c.1724T>C, p.Met575Thr (NM_001348736.2); c.1850T>C (NM_020738.2); short protein forms M575T, M618T, M617T.
Identifiers: ClinVar variation 2978337 (VCV002978337.5), dbSNP rs753343422, ClinGen allele CA1520082.